The following is an entry in ClinVar:

ClinVar aggregate classification (germline): Likely benign. Review status: criteria provided, multiple submitters, no conflicts (2 of 4 stars). 5 submissions from 5 submitters: Likely benign (5). Last evaluated 2025-12-09.

Conditions:
Cardiovascular phenotype. Identifiers: MedGen CN230736.
Cardiac arrhythmia. Also called: Cardiac rhythm disease; Arrhythmia. Identifiers: MedGen C0003811, MONDO:0007263, HP:0011675.
Long QT syndrome (LQTS). Identifiers: MedGen C0023976, MeSH D008133, MONDO:0002442. Disease mechanism: loss of function. Inheritance: Various modes of inheritance.

Allele frequency attached by ClinVar (database versions not stated): TOPMed below 0.00001; gnomAD exomes 0.00001.
gnomAD v4.1: 13 of 1,611,744 alleles (0.00081%); highest among the groups gnomAD compares: South Asian, 0.0011%; no homozygotes.

Submissions (5):

Women's Health and Genetics/Laboratory Corporation of America, LabCorp
Classification: Likely benign. Last evaluated: 2025-12-09. Review status: criteria provided, single submitter. Criteria: LabCorp Variant Classification Summary - May 2015. Collection method: clinical testing. Allele origin: germline.

Labcorp Genetics (formerly Invitae), Labcorp
Classification: Likely benign for Long QT syndrome. Last evaluated: 2025-08-24. Review status: criteria provided, single submitter. Criteria: Invitae Variant Classification Sherloc (09022015). Collection method: clinical testing. Allele origin: germline.

All of Us Research Program, National Institutes of Health
Classification: Likely benign for Long QT syndrome. Last evaluated: 2023-02-10. Review status: criteria provided, single submitter. Criteria: ACMG Guidelines, 2015. Collection method: clinical testing. Allele origin: germline. Inheritance: Autosomal dominant inheritance. Observed: 1 variant allele, 1 heterozygote.
Comment: This study involves interpretation of variants in research participants for the purpose of population health screening. Participant phenotype was not available at the time of variant classification. Additional details can be found in publication PMID: 35346344, PMCID: PMC8962531

Ambry Genetics
Classification: Likely benign for Cardiovascular phenotype. Last evaluated: 2020-08-18. Review status: criteria provided, single submitter. Criteria: Ambry Variant Classification Scheme 2023. Collection method: clinical testing. Allele origin: germline.

Color Diagnostics, LLC DBA Color Health
Classification: Likely benign for Arrhythmia. Last evaluated: 2018-11-30. Review status: criteria provided, single submitter. Criteria: ACMG Guidelines, 2015. Collection method: clinical testing. Allele origin: germline.

NM_000218.3(KCNQ1):c.774C>T (p.His258=)

Gene: KCNQ1 (potassium voltage-gated channel subfamily Q member 1; plus strand). Cytogenetic location: 11p15.5.
Variant type: single nucleotide variant.
Coding change: c.774C>T on transcript NM_000218.3 (MANE Select); coding-DNA position 774, C replaced by T.
Protein change: p.His258=; no amino-acid change (histidine 258 retained).
Molecular consequence: synonymous variant. On other transcripts: intron variant (1).
Genome position (GRCh38, 1-based): chr11:2,572,103, C>T. VCF-style: chr11-2572103-C-T. GRCh37 (hg19) VCF-style: chr11-2593333-C-T.
Other names: c.774C>T, p.His258= (NM_001406836.1); c.504C>T, p.His168= (NM_001406837.1); c.393C>T, p.His131= (NM_181798.2); c.478-11332C>T (NM_001406838.1).
Identifiers: ClinVar variation 925016 (VCV000925016.17), dbSNP rs1848345991, ClinGen allele CA472038103.